The following is an entry in ClinVar:

ClinVar aggregate classification (germline): Uncertain significance (1 of 4 stars; one submission).

Conditions:
CREBBP-related disorder. Also called: CREBBP-related disorders; CREBBP-related condition.

Submission:

PreventionGenetics, part of Exact Sciences
Classification: Uncertain significance for CREBBP-related condition. Last evaluated: 2026-02-21. Review status: criteria provided, single submitter. Criteria: ACMG Guidelines, 2015. Collection method: clinical testing. Allele origin: germline.
Comment: The CREBBP c.5989C>T variant is predicted to result in the amino acid substitution p.Pro1997Ser. To our knowledge, this variant has not been reported in the literature or population databases (gnomAD), indicating this variant is rare. At this time, the clinical significance of this variant is uncertain due to the absence of conclusive functional and genetic evidence.

NM_004380.3(CREBBP):c.5989C>T (p.Pro1997Ser)

Gene: CREBBP (CREB binding lysine acetyltransferase; minus strand). Cytogenetic location: 16p13.3.
Variant type: single nucleotide variant.
Coding change: c.5989C>T on transcript NM_004380.3 (MANE Select); coding-DNA position 5989, C replaced by T.
Protein change: p.Pro1997Ser; replaces proline 1997 with serine.
Molecular consequence: missense variant.
Genome position (GRCh38, 1-based): chr16:3,729,058, G>A on the plus strand (C>T on the coding strand, the complement: CREBBP is on the minus strand). VCF-style: chr16-3729058-G-A. GRCh37 (hg19) VCF-style: chr16-3779059-G-A.
Other names: c.5875C>T, p.Pro1959Ser (NM_001079846.1); short protein forms P1959S, P1997S.
Identifiers: ClinVar variation 4994205 (VCV004994205.1).